The following is an entry in ClinVar:

ClinVar aggregate classification (germline): Benign. Review status: criteria provided, multiple submitters, no conflicts (2 of 4 stars). 2 submissions from 2 submitters: Benign (2). Last evaluated 2019-01-10.

Allele frequency attached by ClinVar (database versions not stated): 1000 Genomes Project 30x 0.25906; 1000 Genomes Project 0.26577; TOPMed 0.28071; gnomAD exomes 0.33911.
gnomAD v4.1: 116,606 of 366,310 alleles (32%); highest among the groups gnomAD compares: Non-Finnish European, 38%; 20,138 homozygotes.

Submissions (2):

GeneDx
Classification: Benign. Last evaluated: 2019-01-10. Review status: criteria provided, single submitter. Criteria: GeneDx Variant Classification Process June 2021. Collection method: clinical testing. Allele origin: germline. Affected: yes.
Comment: This variant is associated with the following publications: (PMID: 28367994)

Breakthrough Genomics
Classification: Benign. Review status: criteria provided, single submitter. Criteria: ACMG Guidelines, 2015. Collection method: not provided. Allele origin: germline. Inheritance: Autosomal recessive inheritance. Affected: yes.

NM_000233.4(LHCGR):c.536+1888T>G

Genes: LHCGR (luteinizing hormone/choriogonadotropin receptor; minus strand), STON1-GTF2A1L (STON1-GTF2A1L readthrough; plus strand). Cytogenetic location: 2p16.3.
Variant type: single nucleotide variant.
Coding change: c.536+1888T>G on transcript NM_000233.4 (MANE Select); 1888 bases into the intron after coding-DNA position 536, T replaced by G.
Molecular consequence: intron variant.
Genome position (GRCh38, 1-based): chr2:48,721,568, A>C on the plus strand (T>G on the coding strand, the complement: LHCGR is on the minus strand). VCF-style: chr2-48721568-A-C. GRCh37 (hg19) VCF-style: chr2-48948707-A-C.
Other names: c.3441+49888A>C (NM_001198593.2).
Identifiers: ClinVar variation 1281024 (VCV001281024.2), dbSNP rs68073206, ClinGen allele CA46784622.
Genomic context (GRCh38, chr2:48,721,568, plus strand): 5'-ATTAATCTGAGATGAAGCTACATGGTCACAGCTTTGTAACATGACAATTATACATGTAAA[A>C]TTACATCTACACAAAGTAAAAGTACTATACAAAGGCAGTGCACCAAGGATACCAATTTTT-3'